The following is an entry in ClinVar:

NM_015425.6(POLR1A):c.3347G>T (p.Gly1116Val)

Gene: POLR1A (RNA polymerase I subunit A; minus strand). Cytogenetic location: 2p11.2.
Variant type: single nucleotide variant.
Coding change: c.3347G>T on transcript NM_015425.6 (MANE Select); coding-DNA position 3347, G replaced by T.
Protein change: p.Gly1116Val; replaces glycine 1116 with valine.
Molecular consequence: missense variant.
Genome position (GRCh38, 1-based): chr2:86,042,984, C>A on the plus strand (G>T on the coding strand, the complement: POLR1A is on the minus strand). VCF-style: chr2-86042984-C-A. GRCh37 (hg19) VCF-style: chr2-86270107-C-A.
Other names: c.3347G>T (NM_015425.3); short protein forms G1116V.
Identifiers: ClinVar variation 1401582 (VCV001401582.9), dbSNP rs1672643825, ClinGen allele CA347537575.

ClinVar aggregate classification (germline): Uncertain significance. Review status: criteria provided, multiple submitters, no conflicts (2 of 4 stars). 2 submissions from 2 submitters: Uncertain significance (2). Last evaluated 2025-06-24.

Conditions:
Inborn genetic diseases. Identifiers: MedGen C0950123, MeSH D030342.

Allele frequency attached by ClinVar (database versions not stated): gnomAD 0.00001; gnomAD exomes 0.00001.
gnomAD v4.1: 5 of 1,613,124 alleles (0.00031%); highest among the groups gnomAD compares: Non-Finnish European, 0.00042%; no homozygotes.

Submissions (2):

Ambry Genetics
Classification: Uncertain significance for Inborn genetic diseases. Last evaluated: 2025-06-24. Review status: criteria provided, single submitter. Criteria: Ambry Variant Classification Scheme 2023. Collection method: clinical testing. Allele origin: germline.

Labcorp Genetics (formerly Invitae), Labcorp
Classification: Uncertain significance. Last evaluated: 2022-11-01. Review status: criteria provided, single submitter. Criteria: Invitae Variant Classification Sherloc (09022015). Collection method: clinical testing. Allele origin: germline.
Comment: Advanced modeling of protein sequence and biophysical properties (such as structural, functional, and spatial information, amino acid conservation, physicochemical variation, residue mobility, and thermodynamic stability) performed at Invitae indicates that this missense variant is not expected to disrupt POLR1A protein function. ClinVar contains an entry for this variant (Variation ID: 1401582). This variant has not been reported in the literature in individuals affected with POLR1A-related conditions. This variant is not present in population databases (gnomAD no frequency). This sequence change replaces glycine with valine at codon 1116 of the POLR1A protein (p.Gly1116Val). The glycine residue is weakly conserved and there is a moderate physicochemical difference between glycine and valine. In summary, the available evidence is currently insufficient to determine the role of this variant in disease. Therefore, it has been classified as a Variant of Uncertain Significance.